The following is an entry in ClinVar:

NM_000443.4(ABCB4):c.80+2T>A

Gene: ABCB4 (ATP binding cassette subfamily B member 4; minus strand). Cytogenetic location: 7q21.12.
Variant type: single nucleotide variant.
Coding change: c.80+2T>A on transcript NM_000443.4 (MANE Select); the canonical splice donor site of the intron after coding-DNA position 80, T replaced by A.
Molecular consequence: splice donor variant.
Genome position (GRCh38, 1-based): chr7:87,475,384, A>T on the plus strand (T>A on the coding strand, the complement: ABCB4 is on the minus strand). VCF-style: chr7-87475384-A-T. GRCh37 (hg19) VCF-style: chr7-87104700-A-T.
Other names: c.80+2T>A (NM_018850.3, NM_018849.3).
Identifiers: ClinVar variation 2750456 (VCV002750456.3), dbSNP rs1584807616, ClinGen allele CA368059566.

ClinVar aggregate classification (germline): Likely pathogenic (1 of 4 stars; one submission).

Submission:

Labcorp Genetics (formerly Invitae), Labcorp
Classification: Likely pathogenic. Last evaluated: 2023-08-05. Review status: criteria provided, single submitter. Criteria: Invitae Variant Classification Sherloc (09022015). Collection method: clinical testing. Allele origin: germline.
Comment: This sequence change affects a donor splice site in intron 2 of the ABCB4 gene. It is expected to disrupt RNA splicing. Variants that disrupt the donor or acceptor splice site typically lead to a loss of protein function (PMID: 16199547), and loss-of-function variants in ABCB4 are known to be pathogenic (PMID: 17726488, 25755532). This variant is not present in population databases (gnomAD no frequency). This variant has not been reported in the literature in individuals affected with ABCB4-related conditions. Algorithms developed to predict the effect of sequence changes on RNA splicing suggest that this variant may disrupt the consensus splice site. In summary, the currently available evidence indicates that the variant is pathogenic, but additional data are needed to prove that conclusively. Therefore, this variant has been classified as Likely Pathogenic.

Literature cited by the submitters: PubMed 16199547; PubMed 17726488; PubMed 25755532.